The following is an entry in ClinVar:

ClinVar aggregate classification (germline): Uncertain significance. Review status: criteria provided, multiple submitters, no conflicts (2 of 4 stars). 2 submissions from 2 submitters: Uncertain significance (2). Last evaluated 2025-08-14.

Conditions:
Inborn genetic diseases. Identifiers: MedGen C0950123, MeSH D030342.

Allele frequency attached by ClinVar (database versions not stated): gnomAD exomes 0.00002; ExAC 0.00007; gnomAD 0.00013; ESP Exome Variant Server 0.00015; 1000 Genomes Project 30x 0.00016; TOPMed 0.00016; 1000 Genomes Project 0.00020.
gnomAD v4.1: 57 of 1,614,060 alleles (0.0035%); highest among the groups gnomAD compares: African/African-American, 0.052%; 1 homozygote.

Submissions (2):

Labcorp Genetics (formerly Invitae), Labcorp
Classification: Uncertain significance. Last evaluated: 2025-08-14. Review status: criteria provided, single submitter. Criteria: Invitae Variant Classification Sherloc (09022015). Collection method: clinical testing. Allele origin: germline.
Comment: This sequence change replaces isoleucine, which is neutral and non-polar, with valine, which is neutral and non-polar, at codon 363 of the PIGU protein (p.Ile363Val). The frequency data for this variant in the population databases is considered unreliable, as metrics indicate poor data quality at this position in the gnomAD database. This variant has not been reported in the literature in individuals affected with PIGU-related conditions. ClinVar contains an entry for this variant (Variation ID: 2080838). Invitae Evidence Modeling of protein sequence and biophysical properties (such as structural, functional, and spatial information, amino acid conservation, physicochemical variation, residue mobility, and thermodynamic stability) indicates that this missense variant is not expected to disrupt PIGU protein function with a negative predictive value of 80%. In summary, the available evidence is currently insufficient to determine the role of this variant in disease. Therefore, it has been classified as a Variant of Uncertain Significance.

Ambry Genetics
Classification: Uncertain significance for Inborn genetic diseases. Last evaluated: 2021-10-27. Review status: criteria provided, single submitter. Criteria: Ambry Variant Classification Scheme 2023. Collection method: clinical testing. Allele origin: germline.

NM_080476.5(PIGU):c.1087A>G (p.Ile363Val)

Gene: PIGU (phosphatidylinositol glycan anchor biosynthesis class U; minus strand). Cytogenetic location: 20q11.22.
Variant type: single nucleotide variant.
Coding change: c.1087A>G on transcript NM_080476.5 (MANE Select); coding-DNA position 1087, A replaced by G.
Protein change: p.Ile363Val; replaces isoleucine 363 with valine.
Molecular consequence: missense variant.
Genome position (GRCh38, 1-based): chr20:34,575,211, T>C on the plus strand (A>G on the coding strand, the complement: PIGU is on the minus strand). VCF-style: chr20-34575211-T-C. GRCh37 (hg19) VCF-style: chr20-33163015-T-C.
Other names: short protein forms I363V.
Identifiers: ClinVar variation 2080838 (VCV002080838.5), dbSNP rs145473483, ClinGen allele CA9822450.
Genomic context (GRCh38, chr20:34,575,211, plus strand): 5'-TGGCACTTCCTGCATAAATCCAGAGGTGCCACAGGACAGGGAAGAGCAGGGAACAGACGA[T>C]GATGATGCAGGTGAGGACAAAGATGTTTCTCAGGACTGCAAAGACAGAGGGTTACAGTTA-3'
Protein context (NP_536724.1, residues 353-373): RNIFVLTCII[Ile363Val]VCSLLFPVLW